The following is an entry in ClinVar:

ClinVar aggregate classification (germline): Likely benign (0 of 4 stars; one submission).

Conditions:
FAAH2-related disorder. Also called: FAAH2-related condition.

Allele frequency attached by ClinVar (database versions not stated): 1000 Genomes Project 30x 0.00042; 1000 Genomes Project 0.00053; ExAC 0.00107; TOPMed 0.00142; gnomAD 0.00147; ESP Exome Variant Server 0.00151.
gnomAD v4.1: 2,190 of 1,201,546 alleles (0.18%); highest among the groups gnomAD compares: Non-Finnish European, 0.22%; 3 homozygotes.

Submission:

PreventionGenetics, part of Exact Sciences
Classification: Likely benign for FAAH2-related condition. Last evaluated: 2022-09-19. Review status: no assertion criteria provided. Collection method: clinical testing. Allele origin: germline.
Comment: This variant is classified as likely benign based on ACMG/AMP sequence variant interpretation guidelines (Richards et al. 2015 PMID: 25741868, with internal and published modifications).

NM_174912.4(FAAH2):c.1084G>A (p.Ala362Thr)

Gene: FAAH2 (fatty acid amide hydrolase 2; plus strand). Cytogenetic location: Xp11.21.
Variant type: single nucleotide variant.
Coding change: c.1084G>A on transcript NM_174912.4 (MANE Select); coding-DNA position 1084, G replaced by A.
Protein change: p.Ala362Thr; replaces alanine 362 with threonine.
Molecular consequence: missense variant. On other transcripts: non-coding transcript variant (2), intron variant (1).
Genome position (GRCh38, 1-based): chrX:57,432,005, G>A. VCF-style: chrX-57432005-G-A. GRCh37 (hg19) VCF-style: chrX-57458438-G-A.
Other names: c.874G>A, p.Ala292Thr (NM_001353841.1); c.997-14923G>A (NM_001353840.1); short protein forms A292T, A362T.
Identifiers: ClinVar variation 3040339 (VCV003040339.2), dbSNP rs138462668, ClinGen allele CA10430831.
Genomic context (GRCh38, chrX:57,432,005, plus strand): 5'-GGAGCCTCAGTTCAACATGTTAAACTGAAGAAAATGAAGTACTCTTTTCAGTTGTGGATC[G>A]CAATGATGTCAGCAAAGGGACATGATGGGAAGGTATTTTTACCTCTTTCTTTACTTACTT-3'
Protein context (NP_777572.2, residues 352-372): KMKYSFQLWI[Ala362Thr]MMSAKGHDGK